The following is an entry in ClinVar:

ClinVar aggregate classification (germline): Uncertain significance (1 of 4 stars; one submission).

Conditions:
Diamond-Blackfan anemia 8 (DBA8). Also called: RPS7-Related Diamond-Blackfan Anemia. Identifiers: Orphanet 124, MedGen C2675511, MONDO:0012939, OMIM 612563.

Allele frequency attached by ClinVar (database versions not stated): gnomAD exomes 0.00001.
gnomAD v4.1: 3 of 1,613,538 alleles (0.00019%); highest among the groups gnomAD compares: Non-Finnish European, 0.00025%; no homozygotes.

Submission:

Labcorp Genetics (formerly Invitae), Labcorp
Classification: Uncertain significance for Diamond-Blackfan anemia 8. Last evaluated: 2021-02-19. Review status: criteria provided, single submitter. Criteria: Invitae Variant Classification Sherloc (09022015). Collection method: clinical testing. Allele origin: germline.
Comment: In summary, the available evidence is currently insufficient to determine the role of this variant in disease. Therefore, it has been classified as a Variant of Uncertain Significance. Algorithms developed to predict the effect of missense changes on protein structure and function are either unavailable or do not agree on the potential impact of this missense change (SIFT: "Deleterious"; PolyPhen-2: "Possibly Damaging"; Align-GVGD: "Class C0"). This variant has not been reported in the literature in individuals with RPS7-related conditions. This variant is not present in population databases (ExAC no frequency). This sequence change replaces serine with isoleucine at codon 151 of the RPS7 protein (p.Ser151Ile). The serine residue is moderately conserved and there is a large physicochemical difference between serine and isoleucine.

NM_001011.4(RPS7):c.452G>T (p.Ser151Ile)

Gene: RPS7 (ribosomal protein S7; plus strand). Cytogenetic location: 2p25.3.
Variant type: single nucleotide variant.
Coding change: c.452G>T on transcript NM_001011.4 (MANE Select); coding-DNA position 452, G replaced by T.
Protein change: p.Ser151Ile; replaces serine 151 with isoleucine.
Molecular consequence: missense variant.
Genome position (GRCh38, 1-based): chr2:3,580,205, G>T. VCF-style: chr2-3580205-G-T. GRCh37 (hg19) VCF-style: chr2-3627795-G-T.
Other names: short protein forms S151I.
Identifiers: ClinVar variation 1418182 (VCV001418182.8), dbSNP rs1461848852, ClinGen allele CA345743536.